The following is an entry in ClinVar:

NM_006231.4(POLE):c.139C>T (p.Arg47Trp)

Gene: POLE (DNA polymerase epsilon, catalytic subunit; minus strand). Cytogenetic location: 12q24.33.
Variant type: single nucleotide variant.
Coding change: c.139C>T on transcript NM_006231.4 (MANE Select); coding-DNA position 139, C replaced by T.
Protein change: p.Arg47Trp; replaces arginine 47 with tryptophan.
Molecular consequence: missense variant.
Genome position (GRCh38, 1-based): chr12:132,681,203, G>A on the plus strand (C>T on the coding strand, the complement: POLE is on the minus strand). VCF-style: chr12-132681203-G-A. GRCh37 (hg19) VCF-style: chr12-133257789-G-A.
Other names: short protein forms R47W.
Identifiers: ClinVar variation 240391 (VCV000240391.89), dbSNP rs143626223, ClinGen allele CA6894433.

ClinVar aggregate classification (germline): Conflicting classifications of pathogenicity. Review status: criteria provided, conflicting classifications (1 of 4 stars). 17 submissions from 17 submitters: Uncertain significance (5); Benign (1); Likely benign (8). 3 of the submissions do not count toward it. Last evaluated 2026-08-01.

Conditions:
POLE-related disorder. Also called: POLE-related condition; POLE-related disorders.
Hereditary cancer-predisposing syndrome. Also called: Hereditary neoplastic syndrome; Hereditary Cancer Syndrome; Neoplastic Syndromes, Hereditary; Tumor predisposition. Identifiers: Orphanet 140162, MedGen C0027672, MeSH D009386, MONDO:0015356.
Colorectal cancer, susceptibility to, 12 (CRCS12). Also called: COLORECTAL CANCER, SUSCEPTIBILITY TO, ON CHROMOSOME 12q24. Identifiers: Orphanet 220460, MedGen C3554460, MONDO:0014038, OMIM 615083.
Familial colorectal cancer. Identifiers: MedGen CN280943, MONDO:0023113. Disease mechanism: loss of function.
Carcinoma of colon (CRC). Also called: Colonic carcinoma; Colon carcinoma. Identifiers: MedGen C0699790, MONDO:0002032.

Allele frequency attached by ClinVar (database versions not stated): gnomAD 0.00082 and 0.00076; ExAC 0.00086; ESP Exome Variant Server 0.00100; TOPMed 0.00068; gnomAD exomes 0.00079; 1000 Genomes Project 30x 0.00016; 1000 Genomes Project 0.00020.

Submissions (17):

CeGaT Center for Human Genetics Tuebingen
Classification: Likely benign. Last evaluated: 2026-08-01. Review status: criteria provided, single submitter. Criteria: CeGaT Center For Human Genetics Tuebingen Variant Classification Criteria Version 2. Collection method: clinical testing. Allele origin: germline. Affected: yes. Observed: 13 variant alleles.
Comment: POLE: BP4, BS1

Labcorp Genetics (formerly Invitae), Labcorp
Classification: Likely benign. Last evaluated: 2026-02-03. Review status: criteria provided, single submitter. Criteria: Invitae Variant Classification Sherloc (09022015). Collection method: clinical testing. Allele origin: germline.

Women's Health and Genetics/Laboratory Corporation of America, LabCorp
Classification: Likely benign. Last evaluated: 2026-01-23. Review status: criteria provided, single submitter. Criteria: LabCorp Variant Classification Summary - May 2015. Collection method: clinical testing. Allele origin: germline.
Comment: Variant summary: POLE c.139C>T (p.Arg47Trp) results in a non-conservative amino acid change in the encoded protein sequence. Algorithms developed to predict the effect of missense changes on protein structure and function are either unavailable or do not agree on the potential impact of this missense change. The variant allele was found at a frequency of 0.00079 in 251472 control chromosomes, predominantly at a frequency of 0.0013 within the Non-Finnish European subpopulation in the gnomAD database. The observed variant frequency within Non-Finnish European control individuals in the gnomAD database exceeds the estimated maximal expected allele frequency for disease-causing variants in POLE. c.139C>T has been observed in individuals affected with various cancer types, including colorectal cancer, but without strong evidence of causality (e.g. Kayser_2018, Mur_2020, Bhai_2021, Guindalini_2022, Weber_2023). These reports do not provide unequivocal conclusions about association of the variant with colorectal cancer other POLE-related conditions. To our knowledge, no experimental evidence demonstrating an impact on protein function has been reported. The following publications have been ascertained in the context of this evaluation (PMID: 34326862, 34347074, 35264596, 29987844, 32792570, 37990341). ClinVar contains an entry for this variant (Variation ID: 240391). Based on the evidence outlined above, the variant was classified as likely benign.

Center for Genomic Medicine, Rigshospitalet, Copenhagen University Hospital
Classification: Uncertain significance. Last evaluated: 2025-03-04. Review status: criteria provided, single submitter. Criteria: ACMG Guidelines, 2015. Collection method: clinical testing. Allele origin: germline.

Blueprint Genetics
Classification: Likely benign. Last evaluated: 2024-11-25. Review status: criteria provided, single submitter. Criteria: ACMG Guidelines, 2015. Collection method: clinical testing. Allele origin: germline.

Genomic Medicine Center of Excellence, King Faisal Specialist Hospital and Research Centre
Classification: Likely benign for Colorectal cancer, susceptibility to, 12. Last evaluated: 2024-09-22. Review status: criteria provided, single submitter. Criteria: ACMG Guidelines, 2015. Collection method: clinical testing. Allele origin: germline.

Mendelics
Classification: Likely benign for Familial colorectal cancer. Last evaluated: 2024-04-09. Review status: criteria provided, single submitter. Criteria: ACMG Guidelines, 2015. Collection method: clinical testing. Allele origin: unknown.

Ambry Genetics
Classification: Benign for Hereditary cancer-predisposing syndrome. Last evaluated: 2024-02-22. Review status: criteria provided, single submitter. Criteria: Ambry Variant Classification Scheme 2023. Collection method: clinical testing. Allele origin: germline.

St. Jude Molecular Pathology, St. Jude Children's Research Hospital
Classification: Uncertain significance for Colorectal cancer, susceptibility to, 12. Last evaluated: 2024-01-21. Review status: criteria provided, single submitter. Criteria: St. Jude Assertion Criteria 2020. Collection method: clinical testing. Allele origin: germline.

ARUP Laboratories, Molecular Genetics and Genomics, ARUP Laboratories
Classification: Uncertain significance. Last evaluated: 2022-01-04. Review status: criteria provided, single submitter. Criteria: ARUP Molecular Germline Variant Investigation Process 2021. Collection method: clinical testing. Allele origin: germline.
Comment: The POLE c.139C>T; p.Arg47Trp variant (rs143626223) is reported in the literature in one individual with suspected Lynch syndrome, but without clear disease association (Kayser 2018). This variant is also reported in ClinVar (Variation ID: 240391) and is found in the general population with an overall allele frequency of 0.079% (223/282858 alleles) in the Genome Aggregation Database. The arginine at codon 47 is weakly conserved, and computational analyses predict that this variant is neutral (REVEL: 0.132). This variant is not located in the exonuclease domain (Palles 2013), and gene-disease association has not been established for variants outside of the exonuclease domain (Seifert 2019). However, given the lack of clinical and functional data, the significance of the p.Arg47Trp variant is uncertain at this time. References: Kayser et al. Copy number variation analysis and targeted NGS in 77 families with suspected Lynch syndrome reveals novel potential causative genes. Int J Cancer. 2018 Dec 1;143(11):2800-2813. PMID 29987844. Palles C et al. Germline mutations affecting the proofreading domains of POLE and POLD1 predispose to colorectal adenomas and carcinomas. Nat Genet. 2013 Feb;45(2):136-44. PMID: 23263490. Seifert BA et al. Determining the clinical validity of hereditary colorectal cancer and polyposis susceptibility genes using the Clinical Genome Resource Clinical Validity Framework. Genet Med. 2019 Jul;21(7):1507-1516. PMID: 30523343.

Institute for Clinical Genetics, University Hospital TU Dresden, University Hospital TU Dresden
Classification: Uncertain significance. Last evaluated: 2021-11-03. Review status: criteria provided, single submitter. Criteria: ACMG Guidelines, 2015. Collection method: clinical testing. Allele origin: germline.

GeneDx
Classification: Likely benign. Last evaluated: 2021-04-19. Review status: criteria provided, single submitter. Criteria: GeneDx Variant Classification Process June 2021. Collection method: clinical testing. Allele origin: germline. Affected: yes.
Comment: This variant is associated with the following publications: (PMID: 29987844)

Sema4
Classification: Likely benign for Hereditary cancer-predisposing syndrome. Last evaluated: 2021-01-19. Review status: criteria provided, single submitter. Criteria: Sema4 Curation Guidelines. Collection method: curation. Allele origin: germline.

Quest Diagnostics Nichols Institute San Juan Capistrano
Classification: Uncertain significance. Last evaluated: 2016-11-26. Review status: criteria provided, single submitter. Criteria: Quest Diagnostics criteria. Collection method: clinical testing. Allele origin: germline.

PreventionGenetics, part of Exact Sciences
Classification: Likely benign for POLE-related condition. Last evaluated: 2020-06-22. Review status: no assertion criteria provided. Collection method: clinical testing. Allele origin: germline. Not counted in ClinVar's aggregate classification.
Comment: This variant is classified as likely benign based on ACMG/AMP sequence variant interpretation guidelines (Richards et al. 2015 PMID: 25741868, with internal and published modifications).

True Health Diagnostics
Classification: Uncertain significance for Hereditary cancer-predisposing syndrome. Last evaluated: 2018-07-13. Review status: no assertion criteria provided. Collection method: clinical testing. Allele origin: germline. Not counted in ClinVar's aggregate classification.

Department of Pathology and Laboratory Medicine, Sinai Health System
Classification: Uncertain significance for Carcinoma of colon. Review status: no assertion criteria provided. Collection method: clinical testing. Allele origin: unknown. Affected: yes. Observed: 1 variant allele. Study: The Canadian Open Genetics Repository (COGR). Not counted in ClinVar's aggregate classification.
Comment: The POLE p.Arg47Trp variant was not identified in the literature nor was it identified in the MutDB, database. The variant was identified in dbSNP (ID: rs143626223) as "With other allele ", ClinVar (classified as likely benign by Invitae, GeneDx; as uncertain significance by Ambry Genetics and two clinical laboratories), and in Cosmic (1x in Genital tract) database. The variant was identified in control databases in 219 of 277204 chromosomes at a frequency of 0.0008 increasing the likelihood this could be a low frequency benign variant (Genome Aggregation Database Feb 27, 2017). The variant was observed in the following populations: African in 4 of 24032 chromosomes (freq: 0.0002), Other in 7 of 6464 chromosomes (freq: 0.001), Latino in 4 of 34420 chromosomes (freq: 0.0001), European in 161 of 126700 chromosomes (freq: 0.001), Finnish in 30 of 25784 chromosomes (freq: 0.001), and South Asian in 13 of 30782 chromosomes (freq: 0.0004), while the variant was not observed in the Ashkenazi Jewish, and East Asian, populations. The p.Arg47 residue is conserved in mammals but not in more distantly related organisms, and four out of five computational analyses (PolyPhen-2, SIFT, AlignGVGD, BLOSUM, MutationTaster) suggest that the variant may impact the protein; however, this information is not predictive enough to assume pathogenicity. The variant occurs outside of the splicing consensus sequence and in silico or computational prediction software programs (SpliceSiteFinder, MaxEntScan, NNSPLICE, GeneSplicer) do not predict a difference in splicing. In summary, based on the above information the clinical significance of this variant cannot be determined with certainty at this time. This variant is classified as a variant of uncertain significance.

Literature cited by the submitters: PubMed 29987844 (cited by 3 submitters); PubMed 32792570 (cited by Women's Health and Genetics/Laboratory Corporation of America, LabCorp); PubMed 34347074 (cited by Women's Health and Genetics/Laboratory Corporation of America, LabCorp and Center for Genomic Medicine, Rigshospitalet, Copenhagen University Hospital); PubMed 35264596 (cited by Women's Health and Genetics/Laboratory Corporation of America, LabCorp); PubMed 34326862 (cited by Women's Health and Genetics/Laboratory Corporation of America, LabCorp); PubMed 37990341 (cited by Women's Health and Genetics/Laboratory Corporation of America, LabCorp).